The following is an entry in ClinVar:

NM_005751.5(AKAP9):c.9445G>C (p.Glu3149Gln)

Gene: AKAP9 (A-kinase anchoring protein 9; plus strand). Cytogenetic location: 7q21.2.
Variant type: single nucleotide variant.
Coding change: c.9445G>C on transcript NM_005751.5 (MANE Select); coding-DNA position 9445, G replaced by C.
Protein change: p.Glu3149Gln; replaces glutamic acid 3149 with glutamine.
Molecular consequence: missense variant.
Genome position (GRCh38, 1-based): chr7:92,093,183, G>C. VCF-style: chr7-92093183-G-C. GRCh37 (hg19) VCF-style: chr7-91722497-G-C.
Other names: c.4090G>C, p.Glu1364Gln (NM_001379277.1); c.9421G>C, p.Glu3141Gln (NM_147185.3); short protein forms E1364Q, E3141Q, E3149Q.
Identifiers: ClinVar variation 4265315 (VCV004265315.1).

ClinVar aggregate classification (germline): Uncertain significance (1 of 4 stars; one submission).

Conditions:
Cardiovascular phenotype. Identifiers: MedGen CN230736.

gnomAD v4.1: 3 of 1,614,068 alleles (0.00019%); highest among the groups gnomAD compares: African/African-American, 0.0027%; no homozygotes.

Submission:

Ambry Genetics
Classification: Uncertain significance for Cardiovascular phenotype. Last evaluated: 2025-08-19. Review status: criteria provided, single submitter. Criteria: Ambry Variant Classification Scheme 2023. Collection method: clinical testing. Allele origin: germline.
Comment: The p.E3149Q variant (also known as c.9445G>C), located in coding exon 39 of the AKAP9 gene, results from a G to C substitution at nucleotide position 9445. The glutamic acid at codon 3149 is replaced by glutamine, an amino acid with highly similar properties. This amino acid position is conserved. In addition, this alteration is predicted to be tolerated by in silico analysis. Based on the available evidence, the clinical significance of this variant remains unclear.